The following is an entry in ClinVar:

NM_000051.4(ATM):c.4215A>G (p.Leu1405=)

Gene: ATM (ATM serine/threonine kinase; plus strand). Cytogenetic location: 11q22.3.
Variant type: single nucleotide variant.
Coding change: c.4215A>G on transcript NM_000051.4 (MANE Select); coding-DNA position 4215, A replaced by G.
Protein change: p.Leu1405=; no amino-acid change (leucine 1405 retained).
Molecular consequence: synonymous variant.
Genome position (GRCh38, 1-based): chr11:108,289,082, A>G. VCF-style: chr11-108289082-A-G. GRCh37 (hg19) VCF-style: chr11-108159809-A-G.
Other names: c.4215A>G, p.Leu1405= (NM_001351834.2).
Identifiers: ClinVar variation 1738774 (VCV001738774.4), dbSNP rs2135753380, ClinGen allele CA476673728.
Genomic context (GRCh38, chr11:108,289,082, plus strand): 5'-GATTAAAGCAACATTTGCCTATATCAGCAATTGTCATAAAACCAAGTTAAAAAGCATTTT[A>G]GAAATTCTTTCCAAAAGCCCTGTAAGTATACATGATGAGTTTAATAATAGAACATTCCTT-3'
Protein context (NP_000042.3, residues 1395-1415): NCHKTKLKSI[Leu1405=]EILSKSPDSY

ClinVar aggregate classification (germline): Benign/Likely benign. Review status: criteria provided, multiple submitters, no conflicts (2 of 4 stars). 3 submissions from 3 submitters: Benign (1); Likely benign (2). Last evaluated 2025-05-15.

Conditions:
Familial cancer of breast. Also called: BREAST CANCER, FAMILIAL; Hereditary breast cancer; hereditary breast carcinoma. Identifiers: Orphanet 227535, MedGen C0346153, MONDO:0016419, OMIM 114480. Disease mechanism: loss of function.
Hereditary cancer-predisposing syndrome. Also called: Neoplastic Syndromes, Hereditary; Tumor predisposition; Hereditary Cancer Syndrome; Hereditary neoplastic syndrome. Identifiers: Orphanet 140162, MedGen C0027672, MeSH D009386, MONDO:0015356.
Ataxia-telangiectasia syndrome (AT). Also called: LOUIS-BAR SYNDROME; Cerebello-oculocutaneous telangiectasia; Immunodeficiency with ataxia telangiectasia; Ataxia-telangiectasia, complementation group D; AT, COMPLEMENTATION GROUP C; ATAXIA-TELANGIECTASIA, COMPLEMENTATION GROUP A. Identifiers: Orphanet 100, MedGen C0004135, MONDO:0008840, OMIM 208900.

Submissions (3):

Labcorp Genetics (formerly Invitae), Labcorp
Classification: Likely benign for Ataxia-telangiectasia syndrome. Last evaluated: 2025-05-15. Review status: criteria provided, single submitter. Criteria: Invitae Variant Classification Sherloc (09022015). Collection method: clinical testing. Allele origin: germline.

Myriad Genetics, Inc.
Classification: Benign for Familial cancer of breast. Last evaluated: 2024-05-17. Review status: criteria provided, single submitter. Criteria: Myriad Autosomal Dominant, Autosomal Recessive and X-Linked Classification Criteria (2023). Collection method: clinical testing. Allele origin: unknown.
Comment: This variant is considered benign. This variant is a silent/synonymous amino acid change and it is not expected to impact splicing.

Ambry Genetics
Classification: Likely benign for Hereditary cancer-predisposing syndrome. Last evaluated: 2020-07-09. Review status: criteria provided, single submitter. Criteria: Ambry Variant Classification Scheme 2023. Collection method: clinical testing. Allele origin: germline.